The following is an entry in ClinVar:

NM_017849.4(TMEM127):c.470A>C (p.Gln157Pro)

Gene: TMEM127 (transmembrane protein 127; minus strand). Cytogenetic location: 2q11.2.
Variant type: single nucleotide variant.
Coding change: c.470A>C on transcript NM_017849.4 (MANE Select); coding-DNA position 470, A replaced by C.
Protein change: p.Gln157Pro; replaces glutamine 157 with proline.
Molecular consequence: missense variant.
Genome position (GRCh38, 1-based): chr2:96,254,055, T>G on the plus strand (A>C on the coding strand, the complement: TMEM127 is on the minus strand). VCF-style: chr2-96254055-T-G. GRCh37 (hg19) VCF-style: chr2-96919793-T-G.
Other names: c.470A>C, p.Gln157Pro (NM_001193304.3); c.218A>C, p.Gln73Pro (NM_001407282.1, NM_001407283.1); short protein forms Q157P, Q73P.
Identifiers: ClinVar variation 2448386 (VCV002448386.2), dbSNP rs2467264127, ClinGen allele CA347652893.

ClinVar aggregate classification (germline): Uncertain significance (1 of 4 stars; one submission).

Conditions:
Hereditary cancer-predisposing syndrome. Also called: Neoplastic Syndromes, Hereditary; Hereditary Cancer Syndrome; Tumor predisposition; Hereditary neoplastic syndrome. Identifiers: Orphanet 140162, MedGen C0027672, MeSH D009386, MONDO:0015356.

Submission:

Ambry Genetics
Classification: Uncertain significance for Hereditary cancer-predisposing syndrome. Last evaluated: 2023-02-12. Review status: criteria provided, single submitter. Criteria: Ambry Variant Classification Scheme 2023. Collection method: clinical testing. Allele origin: germline.
Comment: The p.Q157P variant (also known as c.470A>C), located in coding exon 3 of the TMEM127 gene, results from an A to C substitution at nucleotide position 470. The glutamine at codon 157 is replaced by proline, an amino acid with similar properties. This amino acid position is conserved. In addition, the in silico prediction for this alteration is inconclusive. Since supporting evidence is limited at this time, the clinical significance of this alteration remains unclear.